The following is an entry in ClinVar:

NM_020911.2(PLXNA4):c.119T>C (p.Phe40Ser)

Gene: PLXNA4 (plexin A4; minus strand). Cytogenetic location: 7q32.3.
Variant type: single nucleotide variant.
Coding change: c.119T>C on transcript NM_020911.2 (MANE Select); coding-DNA position 119, T replaced by C.
Protein change: p.Phe40Ser; replaces phenylalanine 40 with serine.
Molecular consequence: missense variant.
Genome position (GRCh38, 1-based): chr7:132,508,575, A>G on the plus strand (T>C on the coding strand, the complement: PLXNA4 is on the minus strand). VCF-style: chr7-132508575-A-G. GRCh37 (hg19) VCF-style: chr7-132193334-A-G.
Other names: c.119T>C, p.Phe40Ser (NM_001105543.2, NM_001393897.1, NM_181775.4); short protein forms F40S.
Identifiers: ClinVar variation 3049032 (VCV003049032.2), dbSNP rs141077562, ClinGen allele CA4490550.
Genomic context (GRCh38, chr7:132,508,575, plus strand): 5'-GTCCTCTCATCCACCACCAGGTGATTGAAACCCTCGGCGGGCTCTCCTCGGAATGTGACA[A>G]ATGACCGCTGCTTCTGGGACAGCGGGGCTGGCTGCCGGGTGAGCAAAGTGGAGGAGCCCA-3'
Protein context (NP_065962.1, residues 30-50): PAPLSQKQRS[Phe40Ser]VTFRGEPAEG

ClinVar aggregate classification (germline): Likely benign (0 of 4 stars; one submission).

Conditions:
PLXNA4-related disorder. Also called: PLXNA4-related condition.

Allele frequency attached by ClinVar (database versions not stated): gnomAD exomes 0.00042; ExAC 0.00135; ESP Exome Variant Server 0.00185; gnomAD 0.00187; TOPMed 0.00226; 1000 Genomes Project 30x 0.00281; 1000 Genomes Project 0.00300.
gnomAD v4.1: 922 of 1,614,128 alleles (0.057%); highest among the groups gnomAD compares: African/African-American, 0.56%; 3 homozygotes.

Submission:

PreventionGenetics, part of Exact Sciences
Classification: Likely benign for PLXNA4-related condition. Last evaluated: 2021-07-08. Review status: no assertion criteria provided. Collection method: clinical testing. Allele origin: germline.
Comment: This variant is classified as likely benign based on ACMG/AMP sequence variant interpretation guidelines (Richards et al. 2015 PMID: 25741868, with internal and published modifications).